The following is an entry in ClinVar:

NM_004463.3(FGD1):c.944dup (p.Ala316fs)

Gene: FGD1 (FYVE, RhoGEF and PH domain containing 1; minus strand). Cytogenetic location: Xp11.22.
Variant type: Duplication.
Coding change: c.944dup on transcript NM_004463.3 (MANE Select); coding-DNA position 944, one base duplicated (C; older notation c.944dupC).
Protein change: p.Ala316fs; shifts the reading frame from alanine 316.
Molecular consequence: frameshift variant.
Genome position (GRCh38, 1-based): chrX:54,470,173, G duplicated on the plus strand (C on the coding strand, the reverse complement: FGD1 is on the minus strand); the first of 5 consecutive G bases (chrX:54,470,173-54,470,177); duplicating any one gives the same sequence. VCF-style (leftmost placement, unchanged base first): chrX-54470172-A-AG. GRCh37 (hg19) VCF-style: chrX-54496605-A-AG.
Other names: c.944dupC (NM_004463.2); short protein forms A316fs.
Identifiers: ClinVar variation 10833 (VCV000010833.5), dbSNP rs1569541255, ClinGen allele CA913190859.
Genomic context (GRCh38, chrX:54,470,172, plus strand): 5'-AACCTCTTGGGAGCCAGGCCGGTGGGGGTCGGCCAAGGCAACAGGCACACTAGCCAGGGC[A>AG]GGGGGCCCAGGGCAGAGGCTGTGGCTGGGGGGCCCGTCATCACTGACGAAGCAGGTCTCC-3'

ClinVar aggregate classification (germline): Pathogenic. Review status: criteria provided, single submitter (1 of 4 stars). 2 submissions from 2 submitters: Pathogenic (1). 1 of the submissions does not count toward it. Last evaluated 2023-06-10.

Conditions:
Aarskog syndrome (AAS). Also called: Aarskog-Scott syndrome, X-linked; FGDY; FGD1-Related Faciogenital Dysplasia (Aarskog-Scott Syndrome); Aarskog Scott syndrome; Aarskog disease. Identifiers: Orphanet 915, MedGen C0175701, MONDO:0010589, OMIM 305400.

Submissions (2):

Labcorp Genetics (formerly Invitae), Labcorp
Classification: Pathogenic. Last evaluated: 2023-06-10. Review status: criteria provided, single submitter. Criteria: Invitae Variant Classification Sherloc (09022015). Collection method: clinical testing. Allele origin: germline.
Comment: For these reasons, this variant has been classified as Pathogenic. ClinVar contains an entry for this variant (Variation ID: 10833). This variant is also known as c.945insC. This premature translational stop signal has been observed in individual(s) with Aarskog-Scott syndrome (PMID: 17152066). This variant is not present in population databases (gnomAD no frequency). This sequence change creates a premature translational stop signal (p.Ala316Cysfs*4) in the FGD1 gene. It is expected to result in an absent or disrupted protein product. Loss-of-function variants in FGD1 are known to be pathogenic (PMID: 21739585, 23211637, 25046119, 26029706).

OMIM
Classification: Pathogenic for AARSKOG-SCOTT SYNDROME. Last evaluated: 2007-01-01. Review status: no assertion criteria provided. Collection method: literature only. Allele origin: germline. Not counted in ClinVar's aggregate classification.

Literature cited by the submitters: PubMed 17152066 (cited by Labcorp Genetics (formerly Invitae), Labcorp and OMIM); PubMed 21739585 (cited by Labcorp Genetics (formerly Invitae), Labcorp); PubMed 23211637 (cited by Labcorp Genetics (formerly Invitae), Labcorp); PubMed 25046119 (cited by Labcorp Genetics (formerly Invitae), Labcorp); PubMed 26029706 (cited by Labcorp Genetics (formerly Invitae), Labcorp); PubMed 4146757 (cited by OMIM).